The following is an entry in ClinVar:

NM_007118.4(TRIO):c.4478A>T (p.Gln1493Leu)

Gene: TRIO (trio Rho guanine nucleotide exchange factor; plus strand). Cytogenetic location: 5p15.2.
Variant type: single nucleotide variant.
Coding change: c.4478A>T on transcript NM_007118.4 (MANE Select); coding-DNA position 4478, A replaced by T.
Protein change: p.Gln1493Leu; replaces glutamine 1493 with leucine.
Molecular consequence: missense variant. On other transcripts: non-coding transcript variant (1).
Genome position (GRCh38, 1-based): chr5:14,398,934, A>T. VCF-style: chr5-14398934-A-T. GRCh37 (hg19) VCF-style: chr5-14399043-A-T.
Other names: short protein forms Q1493L.
Identifiers: ClinVar variation 1309966 (VCV001309966.2), dbSNP rs2152373752, ClinGen allele CA359234556.

ClinVar aggregate classification (germline): Uncertain significance (1 of 4 stars; one submission).

Submission:

GeneDx
Classification: Uncertain significance. Last evaluated: 2019-11-19. Review status: criteria provided, single submitter. Criteria: GeneDx Variant Classification Process June 2021. Collection method: clinical testing. Allele origin: germline. Affected: yes.
Comment: Not observed in large population cohorts (Lek et al., 2016); In silico analysis, which includes protein predictors and evolutionary conservation, supports a deleterious effect; Has not been previously published as pathogenic or benign to our knowledge